The following is an entry in ClinVar:

ClinVar aggregate classification (germline): Uncertain significance (1 of 4 stars; one submission).

Conditions:
Cardiovascular phenotype. Identifiers: MedGen CN230736.

Submission:

Ambry Genetics
Classification: Uncertain significance for Cardiovascular phenotype. Last evaluated: 2025-10-14. Review status: criteria provided, single submitter. Criteria: Ambry Variant Classification Scheme 2023. Collection method: clinical testing. Allele origin: germline.
Comment: The c.1188C>T variant (also known as p.G396G), located in coding exon 12 of the EYA4 gene, results from a C to T substitution at nucleotide position 1188. This nucleotide substitution does not change the amino acid at codon 396. This nucleotide position is well conserved in available vertebrate species. In silico splice site analysis predicts that this alteration may result in the creation or strengthening of a novel splice donor site. Based on the available evidence, the clinical significance of this variant remains unclear.

NM_004100.5(EYA4):c.1188C>T (p.Gly396=)

Gene: EYA4 (EYA transcriptional coactivator and phosphatase 4; plus strand). Cytogenetic location: 6q23.2.
Variant type: single nucleotide variant.
Coding change: c.1188C>T on transcript NM_004100.5 (MANE Select); coding-DNA position 1188, C replaced by T.
Protein change: p.Gly396=; no amino-acid change (glycine 396 retained).
Molecular consequence: synonymous variant.
Genome position (GRCh38, 1-based): chr6:133,483,112, C>T. VCF-style: chr6-133483112-C-T. GRCh37 (hg19) VCF-style: chr6-133804250-C-T.
Other names: c.1026C>T, p.Gly342= (NM_001301012.2); c.1206C>T, p.Gly402= (NM_001301013.2); c.1119C>T, p.Gly373= (NM_001370458.1, NM_172103.4); c.1044C>T, p.Gly348= (NM_001370459.1); c.1188C>T, p.Gly396= (NM_172105.4).
Identifiers: ClinVar variation 4614158 (VCV004614158.1).